The following is an entry in ClinVar:

NM_014889.4(PITRM1):c.2945C>T (p.Ser982Leu)

Gene: PITRM1 (pitrilysin metallopeptidase 1; minus strand). Cytogenetic location: 10p15.2.
Variant type: single nucleotide variant.
Coding change: c.2945C>T on transcript NM_014889.4 (MANE Select); coding-DNA position 2945, C replaced by T.
Protein change: p.Ser982Leu; replaces serine 982 with leucine.
Molecular consequence: missense variant. On other transcripts: non-coding transcript variant (4).
Genome position (GRCh38, 1-based): chr10:3,138,310, G>A on the plus strand (C>T on the coding strand, the complement: PITRM1 is on the minus strand). VCF-style: chr10-3138310-G-A. GRCh37 (hg19) VCF-style: chr10-3180502-G-A.
Other names: c.2948C>T, p.Ser983Leu (NM_001242307.2); c.2651C>T, p.Ser884Leu (NM_001242309.1); c.2747C>T, p.Ser916Leu (NM_001347725.2); c.2132C>T, p.Ser711Leu (NM_001347726.2); c.2330C>T, p.Ser777Leu (NM_001347727.2); c.1640C>T, p.Ser547Leu (NM_001347728.2); c.2921C>T, p.Ser974Leu (NM_001347729.1); c.2723C>T, p.Ser908Leu (NM_001347730.1); and 1 more; short protein forms S777L, S547L, S916L, S974L, S884L, S711L, S908L, S982L.
Identifiers: ClinVar variation 1419956 (VCV001419956.4), dbSNP rs755277786, ClinGen allele CA5387097.
Genomic context (GRCh38, chr10:3,138,310, plus strand): 5'-AGGAGCTTGTCGTGGCTGACAGCAAAGAGCTGCTCTCTGTGGGCCTGCTTCATCTCATCC[G>A]AGAGGCCGTACAAGAAGTGGTCCATTCCTAGAAGACAATCCACAGGCACGATGGAGCCGC-3'
Protein context (NP_055704.2, residues 972-992): KGMDHFLYGL[Ser982Leu]DEMKQAHREQ

ClinVar aggregate classification (germline): Uncertain significance. Review status: criteria provided, multiple submitters, no conflicts (2 of 4 stars). 2 submissions from 2 submitters: Uncertain significance (2). Last evaluated 2025-04-15.

Allele frequency attached by ClinVar (database versions not stated): gnomAD 0.00002 and 0.00001; TOPMed 0.00001; gnomAD exomes 0.00002; ExAC 0.00002.
gnomAD v4.1: 26 of 1,613,492 alleles (0.0016%); highest among the groups gnomAD compares: South Asian, 0.019%; no homozygotes.

Submissions (2):

Ambry Genetics
Classification: Uncertain significance. Last evaluated: 2025-04-15. Review status: criteria provided, single submitter. Criteria: Ambry Variant Classification Scheme 2023. Collection method: clinical testing. Allele origin: germline.

Labcorp Genetics (formerly Invitae), Labcorp
Classification: Uncertain significance. Last evaluated: 2021-10-25. Review status: criteria provided, single submitter. Criteria: Invitae Variant Classification Sherloc (09022015). Collection method: clinical testing. Allele origin: germline.
Comment: This sequence change replaces serine, which is neutral and polar, with leucine, which is neutral and non-polar, at codon 884 of the PITRM1 protein (p.Ser884Leu). This variant is present in population databases (rs755277786, gnomAD 0.01%). This variant has not been reported in the literature in individuals affected with PITRM1-related conditions. Algorithms developed to predict the effect of missense changes on protein structure and function are either unavailable or do not agree on the potential impact of this missense change (SIFT: "Deleterious"; PolyPhen-2: "Possibly Damaging"; Align-GVGD: "Class C0"). In summary, the available evidence is currently insufficient to determine the role of this variant in disease. Therefore, it has been classified as a Variant of Uncertain Significance.